The following is an entry in ClinVar:

ClinVar aggregate classification (germline): Pathogenic (1 of 4 stars; one submission).

Conditions:
Complex hereditary spastic paraplegia. Identifiers: Orphanet 102013, MedGen C0393556, MONDO:0015150.

Allele frequency attached by ClinVar (database versions not stated): gnomAD exomes below 0.00001.
gnomAD v4.1: 1 of 1,612,006 alleles (0.000062%); highest among the groups gnomAD compares: Non-Finnish European, 0.000085%; no homozygotes.

Submission:

Human Genome Lab, NIMHANS, National Institute of Mental Health and Neuro Sciences
Classification: Pathogenic for Complex hereditary spastic paraplegia. Last evaluated: 2024-05-31. Review status: criteria provided, single submitter. Criteria: ACMG Guidelines, 2015. Collection method: clinical testing, research. Allele origin: germline, not applicable. Inheritance: Autosomal recessive inheritance. Affected: yes. Observed: 1 homozygote. Functional consequence: splice_donor_variant_NMD_triggering.
Comment: ACMG Classification: PM2 PVS1 PS3 The splice donor variant NM_003105.6(SORL1):c.1211+1G>A detected at a read depth of 57x in homozygous state upon whole exome sequencing, has not been reported previously as a pathogenic variant nor as a benign variant, to our knowledge. The c.1211+1G>A variant is novel (not in any individuals) in 1000 Genomes. The c.1211+1G>A variant is novel (not in any individuals) in gnomAD Genomes v3 All and in TopMed. The c.1211+1G>A variant is present in 1 / 626640 (Allele Frequency - 0.00000159581) in gnomAD4-Exomes-Variant Frequencies only in heterozygous state. This variant mutates a splice-donor sequence, potentially resulting in the retention of large segments of intronic DNA by the mRNA and nonfunctional proteins. This variant results in the loss of an donor splice site for the clinically relevant transcript. This variant disrupts the donor splice site for an exon upstream from the penultimate exon junction and is therefore predicted to cause nonsense mediated decay. The c.1211+1G>A variant is a loss of function variant in the gene SORL1, which is intolerant of Loss of Function variants, as indicated by the presence of existing pathogenic loss of function variant NP_003096.2:p.E288Kfs*5 and 5 others. Functional studies performed inhouse demonstrate that this variant has a damaging effect on the transcription of the gene and downstream processes. For these reasons, this variant has been classified as Pathogenic.

NM_003105.6(SORL1):c.1211+1G>A

Gene: SORL1 (sortilin related receptor 1; plus strand). Cytogenetic location: 11q24.1.
Variant type: single nucleotide variant.
Coding change: c.1211+1G>A on transcript NM_003105.6 (MANE Select); the canonical splice donor site of the intron after coding-DNA position 1211, G replaced by A.
Molecular consequence: splice donor variant.
Genome position (GRCh38, 1-based): chr11:121,514,322, G>A. VCF-style: chr11-121514322-G-A. GRCh37 (hg19) VCF-style: chr11-121385031-G-A.
Identifiers: ClinVar variation 3238954 (VCV003238954.3), dbSNP rs2496816791.
Genomic context (GRCh38, chr11:121,514,322, plus strand): 5'-GTCCTTGGAGAACGTGCTCTATTACAGCCCAGGAGGGGCCGGCAGTGACACCTTGGTGAG[G>A]TAAGGAGACTGTGAGTCCTTCTCCTGCCTTCTTAGGCCAACACAACCATTAGCTTCTCTC-3'